The following is an entry in ClinVar:

ClinVar aggregate classification (germline): Likely benign (1 of 4 stars; one submission).

Submission:

CeGaT Center for Human Genetics Tuebingen
Classification: Likely benign. Last evaluated: 2026-05-01. Review status: criteria provided, single submitter. Criteria: CeGaT Center For Human Genetics Tuebingen Variant Classification Criteria Version 2. Collection method: clinical testing. Allele origin: germline. Affected: yes. Observed: 1 variant allele.
Comment: KIF19: PM2:Supporting, BP4, BP7

NM_153209.4(KIF19):c.1875C>G (p.Val625=)

Gene: KIF19 (kinesin family member 19; plus strand). Cytogenetic location: 17q25.1.
Variant type: single nucleotide variant.
Coding change: c.1875C>G on transcript NM_153209.4 (MANE Select); coding-DNA position 1875, C replaced by G.
Protein change: p.Val625=; no amino-acid change (valine 625 retained).
Molecular consequence: synonymous variant.
Genome position (GRCh38, 1-based): chr17:74,352,235, C>G. VCF-style: chr17-74352235-C-G. GRCh37 (hg19) VCF-style: chr17-72348374-C-G.
Identifiers: ClinVar variation 4873834 (VCV004873834.2).